The following is an entry in ClinVar:

ClinVar aggregate classification (germline): Uncertain significance. Review status: criteria provided, multiple submitters, no conflicts (2 of 4 stars). 3 submissions from 3 submitters: Uncertain significance (3). Last evaluated 2025-01-27.

Conditions:
Inborn genetic diseases. Identifiers: MedGen C0950123, MeSH D030342.

Allele frequency attached by ClinVar (database versions not stated): gnomAD 0.00001; ExAC 0.00002; gnomAD exomes 0.00002; TOPMed 0.00003.

Submissions (3):

Ambry Genetics
Classification: Uncertain significance for Inborn genetic diseases. Last evaluated: 2025-01-27. Review status: criteria provided, single submitter. Criteria: Ambry Variant Classification Scheme 2023. Collection method: clinical testing. Allele origin: germline.

Labcorp Genetics (formerly Invitae), Labcorp
Classification: Uncertain significance. Last evaluated: 2024-11-05. Review status: criteria provided, single submitter. Criteria: Invitae Variant Classification Sherloc (09022015). Collection method: clinical testing. Allele origin: germline.
Comment: This sequence change replaces arginine, which is basic and polar, with cysteine, which is neutral and slightly polar, at codon 713 of the AGBL5 protein (p.Arg713Cys). This variant is present in population databases (rs764886442, gnomAD 0.03%). This variant has not been reported in the literature in individuals affected with AGBL5-related conditions. ClinVar contains an entry for this variant (Variation ID: 1924844). An algorithm developed to predict the effect of missense changes on protein structure and function (PolyPhen-2) suggests that this variant is likely to be disruptive. In summary, the available evidence is currently insufficient to determine the role of this variant in disease. Therefore, it has been classified as a Variant of Uncertain Significance.

Blueprint Genetics
Classification: Uncertain significance. Last evaluated: 2022-04-01. Review status: criteria provided, single submitter. Criteria: ACMG Guidelines, 2015. Collection method: clinical testing. Allele origin: germline.

NM_021831.6(AGBL5):c.2137C>T (p.Arg713Cys)

Gene: AGBL5 (AGBL carboxypeptidase 5; plus strand). Cytogenetic location: 2p23.3.
Variant type: single nucleotide variant.
Coding change: c.2137C>T on transcript NM_021831.6 (MANE Select); coding-DNA position 2137, C replaced by T.
Protein change: p.Arg713Cys; replaces arginine 713 with cysteine.
Molecular consequence: missense variant. On other transcripts: non-coding transcript variant (2).
Genome position (GRCh38, 1-based): chr2:27,067,541, C>T. VCF-style: chr2-27067541-C-T. GRCh37 (hg19) VCF-style: chr2-27290409-C-T.
Other names: c.2137C>T, p.Arg713Cys (NM_001035506.1); short protein forms R713C.
Identifiers: ClinVar variation 1924844 (VCV001924844.8), dbSNP rs764886442, ClinGen allele CA1568105.
Genomic context (GRCh38, chr2:27,067,541, plus strand): 5'-CTCTTCCACTCAGAGCCCCGAAGCCAGGACAGGAGACGGCAGCAGCAGCCCCTGAACCAT[C>T]GTCCTGCAGGCAGCCTCGCTCCATCCCCAGCTCCTACTAGTTCTGGCCCAGCCTCCTCAC-3'
Protein context (NP_068603.4, residues 703-723): RRRQQQPLNH[Arg713Cys]PAGSLAPSPA